The following is an entry in ClinVar:

ClinVar aggregate classification (germline): Likely pathogenic (1 of 4 stars; one submission).

Conditions:
Glomuvenous malformation. Also called: GLOMANGIOMAS, MULTIPLE; GLOMUS TUMORS, MULTIPLE; VENOUS MALFORMATIONS WITH GLOMUS CELLS; Familial glomangioma. Identifiers: Orphanet 83454, MedGen C1841984, MONDO:0007672, OMIM 138000.

gnomAD v4.1: 2 of 1,496,050 alleles (0.00013%); highest among the groups gnomAD compares: Non-Finnish European, 0.00019%; no homozygotes.

Submission:

Clinical Genomics Laboratory, Washington University in St. Louis
Classification: Likely pathogenic for Glomuvenous malformation. Last evaluated: 2025-10-10. Review status: criteria provided, single submitter. Criteria: ACMG Guidelines, 2015. Collection method: clinical testing. Allele origin: germline. Affected: yes.
Comment: A GLMN c.1292C>A (p.Ser431*) variant was identified at a near heterozygous allelic fraction of 44.7%, a frequency which may be consistent with it being of germline origin. The variant, to our knowledge, has not been reported in the medical literature or the ClinVar database. It is only observed on 2/1,496,050 alleles in the general population (gnomAD v4.1.0), indicating it is not a common variant. This single nucleotide variant leads to a premature termination codon, which is predicted to lead to nonsense mediated decay. Based on available information and the ACMG/AMP guidelines for variant interpretation (Richards S et al., PMID: 25741868), this variant is classified as likely pathogenic.

NM_053274.3(GLMN):c.1292C>A (p.Ser431Ter)

Gene: GLMN (glomulin, FKBP associated protein; minus strand). Cytogenetic location: 1p22.1.
Variant type: single nucleotide variant.
Coding change: c.1292C>A on transcript NM_053274.3 (MANE Select); coding-DNA position 1292, C replaced by A.
Protein change: p.Ser431Ter; replaces serine 431 with a stop codon.
Molecular consequence: nonsense.
Genome position (GRCh38, 1-based): chr1:92,264,561, G>T on the plus strand (C>A on the coding strand, the complement: GLMN is on the minus strand). VCF-style: chr1-92264561-G-T. GRCh37 (hg19) VCF-style: chr1-92730118-G-T.
Other names: c.1250C>A, p.Ser417Ter (NM_001319683.2); short protein forms S417*, S431*.
Identifiers: ClinVar variation 4974598 (VCV004974598.1).